The following is an entry in ClinVar:

ClinVar aggregate classification (germline): Likely pathogenic (0 of 4 stars; one submission).

Conditions:
Developmental and epileptic encephalopathy, 5 (DEE5). Identifiers: Orphanet 3451, MedGen C3150731, MONDO:0013277, OMIM 613477.

Submission:

Solve-RD Consortium
Classification: Likely pathogenic for Developmental and epileptic encephalopathy, 5. Last evaluated: 2022-06-01. Review status: no assertion criteria provided. Collection method: provider interpretation. Allele origin: inherited. Affected: yes.
Comment: Variant confirmed as disease-causing by referring clinical team

Variant identified during reanalysis of unsolved cases by the Solve-RD project. The Solve-RD project has received funding from the European Union’s Horizon 2020 research and innovation programme under grant agreement No 779257.

Literature cited by the submitters: PubMed 39825153.

NM_001130438.3(SPTAN1):c.5768dup (p.Asp1923fs)

Gene: SPTAN1 (spectrin alpha, non-erythrocytic 1; plus strand). Cytogenetic location: 9q34.11.
Variant type: Duplication.
Coding change: c.5768dup on transcript NM_001130438.3 (MANE Select); coding-DNA position 5768, one base duplicated (A; older notation c.5768dupA).
Protein change: p.Asp1923fs; shifts the reading frame from aspartic acid 1923.
Molecular consequence: frameshift variant.
Genome position (GRCh38, 1-based): chr9:128,621,192, A duplicated. VCF-style (leftmost placement, unchanged base first): chr9-128621191-G-GA. GRCh37 (hg19) VCF-style: chr9-131383470-G-GA.
Other names: c.5693dup, p.Asp1898fs (NM_001195532.2); c.5768dup, p.Asp1923fs (NM_001363759.2, NM_001375310.1, NM_001375311.2 and 1 more transcripts); c.5708dup, p.Asp1903fs (NM_001363765.2, NM_001375314.2); c.5804dup, p.Asp1935fs (NM_001375312.2, NM_001375318.1); c.5753dup, p.Asp1918fs (NM_003127.4); short protein forms D1898fs, D1903fs, D1918fs, D1923fs, D1935fs.
Identifiers: ClinVar variation 3338083 (VCV003338083.1).